The following is an entry in ClinVar:

NM_018013.4(SOBP):c.2232GCC[4] (p.Pro749_Pro751del)

Gene: SOBP (sine oculis binding protein homolog; plus strand). Cytogenetic location: 6q21.
Variant type: Microsatellite.
Coding change: c.2232GCC[4] on transcript NM_018013.4 (MANE Select); four copies in a row of the 3-base unit GCC starting at c.2232; the reference has seven copies in a row; three copies, 9 bases deleted.
Protein change: p.Pro749_Pro751del.
Molecular consequence: inframe deletion.
Genome position (GRCh38, 1-based): chr6:107,635,088-107,635,096, GCCGCCGCC deleted; deleting any 9 consecutive bases within chr6:107,635,076-107,635,096 gives the same sequence; the position shown is the placement nearest the transcript's 3' end. VCF-style (leftmost placement, unchanged base first): chr6-107635075-AGCCGCCGCC-A. GRCh37 (hg19) VCF-style: chr6-107956279-AGCCGCCGCC-A.
Other names: c.2244_2252del9 (NM_018013.3).
Identifiers: ClinVar variation 1336256 (VCV001336256.6), dbSNP rs541688197, ClinGen allele CA3946624.
Genomic context (GRCh38, chr6:107,635,075, plus strand): 5'-TGAACGGCACGCGCGGCGCCGCCGCCGAGGGCGCTAAGAGCGCGGAGCCGCCTCCCGAGC[AGCCGCCGCC>A]GCCGCCGCCGCCCGCGCCCCCCAAGAAGCTGCTGTCGCCTGAGGAACCGGCGGTGAGCGA-3'

ClinVar aggregate classification (germline): Likely benign. Review status: criteria provided, single submitter (1 of 4 stars). 2 submissions from 2 submitters: Likely benign (1). 1 of the submissions does not count toward it. Last evaluated 2019-01-14.

Conditions:
SOBP-related disorder. Also called: SOBP-related condition.

Submissions (2):

Genetic Services Laboratory, University of Chicago
Classification: Likely benign. Last evaluated: 2019-01-14. Review status: criteria provided, single submitter. Criteria: ACMG Guidelines, 2015. Collection method: clinical testing. Allele origin: germline. Affected: no.

PreventionGenetics, part of Exact Sciences
Classification: Likely benign for SOBP-related condition. Last evaluated: 2022-11-19. Review status: no assertion criteria provided. Collection method: clinical testing. Allele origin: germline. Not counted in ClinVar's aggregate classification.
Comment: This variant is classified as likely benign based on ACMG/AMP sequence variant interpretation guidelines (Richards et al. 2015 PMID: 25741868, with internal and published modifications).